The following is an entry in ClinVar:

ClinVar aggregate classification (germline): Likely benign. Review status: criteria provided, multiple submitters, no conflicts (2 of 4 stars). 2 submissions from 2 submitters: Likely benign (2). Last evaluated 2025-12-10.

Conditions:
Familial cancer of breast. Also called: Hereditary breast cancer; BREAST CANCER, FAMILIAL; hereditary breast carcinoma. Identifiers: Orphanet 227535, MedGen C0346153, MONDO:0016419, OMIM 114480. Disease mechanism: loss of function.
Ataxia-telangiectasia syndrome (AT). Also called: Ataxia-telangiectasia; Cerebello-oculocutaneous telangiectasia; Immunodeficiency with ataxia telangiectasia; ATAXIA-TELANGIECTASIA, COMPLEMENTATION GROUP A; ATAXIA-TELANGIECTASIA, FRESNO VARIANT; Ataxia-telangiectasia, complementation group D. Identifiers: Orphanet 100, MedGen C0004135, MONDO:0008840, OMIM 208900.

Allele frequency attached by ClinVar (database versions not stated): gnomAD exomes below 0.00001.
gnomAD v4.1: 1 of 1,613,796 alleles (0.000062%); highest among the groups gnomAD compares: Non-Finnish European, 0.000085%; no homozygotes.

Submissions (2):

Labcorp Genetics (formerly Invitae), Labcorp
Classification: Likely benign for Ataxia-telangiectasia syndrome. Last evaluated: 2025-12-10. Review status: criteria provided, single submitter. Criteria: Invitae Variant Classification Sherloc (09022015). Collection method: clinical testing. Allele origin: germline.

Myriad Genetics, Inc.
Classification: Likely benign for Familial cancer of breast. Last evaluated: 2024-05-10. Review status: criteria provided, single submitter. Criteria: Myriad Autosomal Dominant, Autosomal Recessive and X-Linked Classification Criteria (2023). Collection method: clinical testing. Allele origin: unknown.
Comment: This variant is considered likely benign. This variant is intronic and is not expected to impact mRNA splicing.

NM_000051.4(ATM):c.2921+10T>G

Gene: ATM (ATM serine/threonine kinase; plus strand). Cytogenetic location: 11q22.3.
Variant type: single nucleotide variant.
Coding change: c.2921+10T>G on transcript NM_000051.4 (MANE Select); 10 bases into the intron after coding-DNA position 2921, T replaced by G.
Molecular consequence: intron variant.
Genome position (GRCh38, 1-based): chr11:108,271,156, T>G. VCF-style: chr11-108271156-T-G. GRCh37 (hg19) VCF-style: chr11-108141883-T-G.
Other names: c.2921+10T>G (NM_001351834.2).
Identifiers: ClinVar variation 414551 (VCV000414551.9), dbSNP rs1060504278, ClinGen allele CA16613378.